The following is an entry in ClinVar:

NM_022336.4(EDAR):c.163G>A (p.Glu55Lys)

Genes: EDAR (ectodysplasin A receptor; minus strand), RANBP2 (RAN binding protein 2; plus strand). Cytogenetic location: 2q13.
Variant type: single nucleotide variant.
Coding change: c.163G>A on transcript NM_022336.4 (MANE Select); coding-DNA position 163, G replaced by A.
Protein change: p.Glu55Lys; replaces glutamic acid 55 with lysine.
Molecular consequence: missense variant.
Genome position (GRCh38, 1-based): chr2:108,930,131, C>T on the plus strand (G>A on the coding strand, the complement: EDAR is on the minus strand). VCF-style: chr2-108930131-C-T. GRCh37 (hg19) VCF-style: chr2-109546587-C-T.
Other names: short protein forms E55K.
Identifiers: ClinVar variation 3775437 (VCV003775437.1).

ClinVar aggregate classification (germline): Uncertain significance (1 of 4 stars; one submission).

Conditions:
Ectodermal dysplasia 10A, hypohidrotic/hair/nail type, autosomal dominant (ECTD10A). Also called: Ectodermal Dysplasia 3, Anhidrotic. Identifiers: Orphanet 1810, Orphanet 238468, MedGen C3888065, MONDO:0007509, OMIM 129490.

gnomAD v4.1: 5 of 1,613,772 alleles (0.00031%); highest among the groups gnomAD compares: Non-Finnish European, 0.00042%; no homozygotes.

Submission:

3billion
Classification: Uncertain significance for Ectodermal dysplasia 10A, hypohidrotic/hair/nail type, autosomal dominant. Last evaluated: 2023-06-08. Review status: criteria provided, single submitter. Criteria: ACMG Guidelines, 2015. Collection method: clinical testing. Allele origin: germline. Affected: yes.
Comment: The variant is not observed in the gnomAD v2.1.1 dataset. Predicted Consequence/Location: Missense variant In silico tool predictions suggest damaging effect of the variant on gene or gene product (REVEL: 0.74; 3Cnet: 0.60). Therefore, this variant is classified as VUS according to the recommendation of ACMG/AMP guideline.